The following is an entry in ClinVar:

ClinVar aggregate classification (germline): Uncertain significance (1 of 4 stars; one submission).

Conditions:
Gorlin syndrome. Also called: Nevoid Basal Cell Carcinoma Syndrome; Basal cell nevus syndrome. Identifiers: Orphanet 377, MedGen C0004779, MONDO:0007187.

Submission:

Labcorp Genetics (formerly Invitae), Labcorp
Classification: Uncertain significance for Gorlin syndrome. Last evaluated: 2020-12-22. Review status: criteria provided, single submitter. Criteria: Invitae Variant Classification Sherloc (09022015). Collection method: clinical testing. Allele origin: germline.
Comment: This variant has not been reported in the literature in individuals with PTCH1-related conditions. This sequence change replaces glycine with valine at codon 1296 of the PTCH1 protein (p.Gly1296Val). The glycine residue is weakly conserved and there is a moderate physicochemical difference between glycine and valine. This variant is not present in population databases (ExAC no frequency). Algorithms developed to predict the effect of sequence changes on RNA splicing suggest that this variant may create or strengthen a splice site, but this prediction has not been confirmed by published transcriptional studies. In summary, the available evidence is currently insufficient to determine the role of this variant in disease. Therefore, it has been classified as a Variant of Uncertain Significance. Advanced modeling of protein sequence and biophysical properties (such as structural, functional, and spatial information, amino acid conservation, physicochemical variation, residue mobility, and thermodynamic stability) performed at Invitae indicates that this missense variant is not expected to disrupt PTCH1 protein function.

NM_000264.5(PTCH1):c.3887G>T (p.Gly1296Val)

Gene: PTCH1 (patched 1; minus strand). Cytogenetic location: 9q22.32.
Variant type: single nucleotide variant.
Coding change: c.3887G>T on transcript NM_000264.5 (MANE Select); coding-DNA position 3887, G replaced by T.
Protein change: p.Gly1296Val; replaces glycine 1296 with valine.
Molecular consequence: missense variant. On other transcripts: non-coding transcript variant (1).
Genome position (GRCh38, 1-based): chr9:95,447,369, C>A on the plus strand (G>T on the coding strand, the complement: PTCH1 is on the minus strand). VCF-style: chr9-95447369-C-A. GRCh37 (hg19) VCF-style: chr9-98209651-C-A.
Other names: c.3689G>T, p.Gly1230Val (NM_001083602.3); c.3884G>T, p.Gly1295Val (NM_001083603.3); c.3434G>T, p.Gly1145Val (NM_001083604.3, NM_001083605.3, NM_001083606.3 and 1 more transcripts); c.3731G>T, p.Gly1244Val (NM_001354918.2); short protein forms G1230V, G1244V, G1295V, G1145V, G1296V.
Identifiers: ClinVar variation 1399052 (VCV001399052.8), dbSNP rs2136583024, ClinGen allele CA374110720.